The following is an entry in ClinVar:

ClinVar aggregate classification (germline): Conflicting classifications of pathogenicity. Review status: criteria provided, conflicting classifications (1 of 4 stars). 5 submissions from 5 submitters: Uncertain significance (1); Likely benign (4). Last evaluated 2025-10-27.

Conditions:
Inborn genetic diseases. Identifiers: MedGen C0950123, MeSH D030342.
Beckwith-Wiedemann syndrome (BWS). Also called: Exomphalos macroglossia gigantism syndrome; EMG SYNDROME. Identifiers: Orphanet 116, MedGen C0004903, MONDO:0007534, OMIM 130650.

Allele frequency attached by ClinVar (database versions not stated): TOPMed 0.00011; gnomAD 0.00017 and 0.00018; gnomAD exomes 0.00018; 1000 Genomes Project 0.00020; ExAC 0.00029; 1000 Genomes Project 30x 0.00031.
gnomAD v4.1: 486 of 1,487,316 alleles (0.033%); highest among the groups gnomAD compares: Non-Finnish European, 0.042%; no homozygotes.

Submissions (5):

Labcorp Genetics (formerly Invitae), Labcorp
Classification: Likely benign for Beckwith-Wiedemann syndrome. Last evaluated: 2025-10-27. Review status: criteria provided, single submitter. Criteria: Invitae Variant Classification Sherloc (09022015). Collection method: clinical testing. Allele origin: germline.

Ambry Genetics
Classification: Likely benign for Inborn genetic diseases. Last evaluated: 2025-01-16. Review status: criteria provided, single submitter. Criteria: Ambry Variant Classification Scheme 2023. Collection method: clinical testing. Allele origin: germline.

Blueprint Genetics
Classification: Likely benign. Last evaluated: 2024-10-14. Review status: criteria provided, single submitter. Criteria: ACMG Guidelines, 2015. Collection method: clinical testing. Allele origin: germline.

CeGaT Center for Human Genetics Tuebingen
Classification: Likely benign. Last evaluated: 2024-06-01. Review status: criteria provided, single submitter. Criteria: CeGaT Center For Human Genetics Tuebingen Variant Classification Criteria Version 2. Collection method: clinical testing. Allele origin: germline. Affected: yes. Observed: 1 variant allele.
Comment: CDKN1C: BP4, BP7

Eurofins Ntd Llc (ga)
Classification: Uncertain significance. Last evaluated: 2017-08-17. Review status: criteria provided, single submitter. Criteria: EGL Classification Definitions 2015. Collection method: clinical testing. Allele origin: germline. Observed: 1 variant allele, 1 heterozygote.

NM_001122630.2(CDKN1C):c.669C>G (p.Gly223=)

Gene: CDKN1C (cyclin dependent kinase inhibitor 1C; minus strand). Cytogenetic location: 11p15.4.
Variant type: single nucleotide variant.
Coding change: c.669C>G on transcript NM_001122630.2 (MANE Select); coding-DNA position 669, C replaced by G.
Protein change: p.Gly223=; no amino-acid change (glycine 223 retained).
Molecular consequence: synonymous variant. On other transcripts: intron variant (1).
Genome position (GRCh38, 1-based): chr11:2,884,788, G>C on the plus strand (C>G on the coding strand, the complement: CDKN1C is on the minus strand). VCF-style: chr11-2884788-G-C. GRCh37 (hg19) VCF-style: chr11-2906018-G-C.
Other names: c.702C>G, p.Gly234= (NM_000076.2, NM_001362474.2, LRG_533t1); c.669C>G, p.Gly223= (NM_001122631.2); c.255+414C>G (NM_001362475.2).
Identifiers: ClinVar variation 454024 (VCV000454024.35), dbSNP rs546016935, ClinGen allele CA5822187.